The following is an entry in ClinVar:

ClinVar aggregate classification (germline): Uncertain significance (1 of 4 stars; one submission).

Submission:

Labcorp Genetics (formerly Invitae), Labcorp
Classification: Uncertain significance. Last evaluated: 2023-10-03. Review status: criteria provided, single submitter. Criteria: Invitae Variant Classification Sherloc (09022015). Collection method: clinical testing. Allele origin: germline.
Comment: This sequence change replaces isoleucine, which is neutral and non-polar, with valine, which is neutral and non-polar, at codon 694 of the FLNB protein (p.Ile694Val). This variant is not present in population databases (gnomAD no frequency). This variant has not been reported in the literature in individuals affected with FLNB-related conditions. ClinVar contains an entry for this variant (Variation ID: 1971427). Advanced modeling of protein sequence and biophysical properties (such as structural, functional, and spatial information, amino acid conservation, physicochemical variation, residue mobility, and thermodynamic stability) performed at Invitae indicates that this missense variant is not expected to disrupt FLNB protein function. In summary, the available evidence is currently insufficient to determine the role of this variant in disease. Therefore, it has been classified as a Variant of Uncertain Significance.

NM_001457.4(FLNB):c.2080A>G (p.Ile694Val)

Gene: FLNB (filamin B; plus strand). Cytogenetic location: 3p14.3.
Variant type: single nucleotide variant.
Coding change: c.2080A>G on transcript NM_001457.4 (MANE Select); coding-DNA position 2080, A replaced by G.
Protein change: p.Ile694Val; replaces isoleucine 694 with valine.
Molecular consequence: missense variant.
Genome position (GRCh38, 1-based): chr3:58,109,203, A>G. VCF-style: chr3-58109203-A-G. GRCh37 (hg19) VCF-style: chr3-58094930-A-G.
Other names: c.2080A>G, p.Ile694Val (NM_001164317.2, NM_001164318.2, NM_001164319.2); short protein forms I694V.
Identifiers: ClinVar variation 1971427 (VCV001971427.5), dbSNP rs2471083737, ClinGen allele CA353342677.
Genomic context (GRCh38, chr3:58,109,203, plus strand): 5'-GGGCCACCTCTGGTCCTAGCTCTGGCTTTTTTGCAGGATGGGGAAGGCCAACGCATTGAC[A>G]TCCAGATGAAGAACCGGATGGACGGCACATATGCATGCTCATACACCCCGGTGAAGGCCA-3'
Protein context (NP_001448.2, residues 684-704): AQDGEGQRID[Ile694Val]QMKNRMDGTY